The following is an entry in ClinVar:

NM_001128840.3(CACNA1D):c.2134T>C (p.Tyr712His)

Gene: CACNA1D (calcium voltage-gated channel subunit alpha1 D; plus strand). Cytogenetic location: 3p21.1.
Variant type: single nucleotide variant.
Coding change: c.2134T>C on transcript NM_001128840.3 (MANE Select); coding-DNA position 2134, T replaced by C.
Protein change: p.Tyr712His; replaces tyrosine 712 with histidine.
Molecular consequence: missense variant.
Genome position (GRCh38, 1-based): chr3:53,726,912, T>C. VCF-style: chr3-53726912-T-C. GRCh37 (hg19) VCF-style: chr3-53760939-T-C.
Other names: c.2194T>C, p.Tyr732His (NM_000720.4); c.2134T>C, p.Tyr712His (NM_001128839.3); short protein forms Y712H, Y732H.
Identifiers: ClinVar variation 3680554 (VCV003680554.2).

ClinVar aggregate classification (germline): Uncertain significance (1 of 4 stars; one submission).

Submission:

Labcorp Genetics (formerly Invitae), Labcorp
Classification: Uncertain significance. Last evaluated: 2025-02-06. Review status: criteria provided, single submitter. Criteria: Invitae Variant Classification Sherloc (09022015). Collection method: clinical testing. Allele origin: germline.
Comment: This sequence change replaces tyrosine, which is neutral and polar, with histidine, which is basic and polar, at codon 732 of the CACNA1D protein (p.Tyr732His). This variant is not present in population databases (gnomAD no frequency). This variant has not been reported in the literature in individuals affected with CACNA1D-related conditions. Invitae Evidence Modeling of protein sequence and biophysical properties (such as structural, functional, and spatial information, amino acid conservation, physicochemical variation, residue mobility, and thermodynamic stability) indicates that this missense variant is expected to disrupt CACNA1D protein function with a positive predictive value of 80%. In summary, the available evidence is currently insufficient to determine the role of this variant in disease. Therefore, it has been classified as a Variant of Uncertain Significance.